The following is an entry in ClinVar:

ClinVar aggregate classification (germline): Uncertain significance (1 of 4 stars; one submission).

Conditions:
Hereditary spastic paraplegia 75. Also called: Spastic paraplegia 75, autosomal recessive. Identifiers: Orphanet 459056, MedGen C4225250, MONDO:0014729, OMIM 616680.

Submission:

Labcorp Genetics (formerly Invitae), Labcorp
Classification: Uncertain significance for Hereditary spastic paraplegia 75. Last evaluated: 2022-07-14. Review status: criteria provided, single submitter. Criteria: Invitae Variant Classification Sherloc (09022015). Collection method: clinical testing. Allele origin: germline.
Comment: This sequence change replaces alanine, which is neutral and non-polar, with valine, which is neutral and non-polar, at codon 251 of the MAG protein (p.Ala251Val). This variant is not present in population databases (gnomAD no frequency). This variant has not been reported in the literature in individuals affected with MAG-related conditions. Algorithms developed to predict the effect of missense changes on protein structure and function (SIFT, PolyPhen-2, Align-GVGD) all suggest that this variant is likely to be tolerated. In summary, the available evidence is currently insufficient to determine the role of this variant in disease. Therefore, it has been classified as a Variant of Uncertain Significance.

NM_002361.4(MAG):c.752C>T (p.Ala251Val)

Gene: MAG (myelin associated glycoprotein; plus strand). Cytogenetic location: 19q13.12.
Variant type: single nucleotide variant.
Coding change: c.752C>T on transcript NM_002361.4 (MANE Select); coding-DNA position 752, C replaced by T.
Protein change: p.Ala251Val; replaces alanine 251 with valine.
Molecular consequence: missense variant.
Genome position (GRCh38, 1-based): chr19:35,300,186, C>T. VCF-style: chr19-35300186-C-T. GRCh37 (hg19) VCF-style: chr19-35791089-C-T.
Other names: c.677C>T, p.Ala226Val (NM_001199216.2); c.752C>T, p.Ala251Val (NM_080600.3); short protein forms A251V, A226V.
Identifiers: ClinVar variation 2017060 (VCV002017060.4), dbSNP rs2513583609, ClinGen allele CA405310218.
Genomic context (GRCh38, chr19:35,300,186, plus strand): 5'-TCGCTGTGTCGCGGGCCTTAGACCCCCCGGTGATTGTGGAGATGAACTCCTCGGTGGAGG[C>T]CATCGAGGGCTCCCACGTGAGCCTGCTCTGTGGGGCTGACAGCAACCCCCCGCCGCTGCT-3'
Protein context (NP_002352.1, residues 241-261): VIVEMNSSVE[Ala251Val]IEGSHVSLLC